The following is an entry in ClinVar:

ClinVar aggregate classification (germline): Pathogenic (1 of 4 stars; one submission).

Submission:

Labcorp Genetics (formerly Invitae), Labcorp
Classification: Pathogenic. Last evaluated: 2024-02-20. Review status: criteria provided, single submitter. Criteria: Invitae Variant Classification Sherloc (09022015). Collection method: clinical testing. Allele origin: germline.
Comment: This sequence change creates a premature translational stop signal (p.Gln118Thrfs*32) in the ZNF469 gene. It is expected to result in an absent or disrupted protein product. Loss-of-function variants in ZNF469 are known to be pathogenic (PMID: 23642083, 23680354). This variant is not present in population databases (gnomAD no frequency). This variant has not been reported in the literature in individuals affected with ZNF469-related conditions. For these reasons, this variant has been classified as Pathogenic.

Literature cited by the submitters: PubMed 23642083; PubMed 23680354.

NM_001367624.2(ZNF469):c.350dup (p.Gln118fs)

Gene: ZNF469 (zinc finger protein 469; plus strand). Cytogenetic location: 16q24.2.
Variant type: Duplication.
Coding change: c.350dup on transcript NM_001367624.2 (MANE Select); coding-DNA position 350, one base duplicated (C; older notation c.350dupC).
Protein change: p.Gln118fs; shifts the reading frame from glutamine 118.
Molecular consequence: frameshift variant.
Genome position (GRCh38, 1-based): chr16:88,427,820, C duplicated; the last of 6 consecutive C bases (chr16:88,427,815-88,427,820); duplicating any one gives the same sequence. VCF-style (leftmost placement, unchanged base first): chr16-88427814-G-GC. GRCh37 (hg19) VCF-style: chr16-88494222-G-GC.
Other names: short protein forms Q118fs.
Identifiers: ClinVar variation 3642258 (VCV003642258.2).